The following is an entry in ClinVar:

ClinVar aggregate classification (germline): Uncertain significance (1 of 4 stars; one submission).

Conditions:
Long QT syndrome (LQTS). Identifiers: MedGen C0023976, MeSH D008133, MONDO:0002442. Disease mechanism: loss of function. Inheritance: Various modes of inheritance.

Submission:

Labcorp Genetics (formerly Invitae), Labcorp
Classification: Uncertain significance for Long QT syndrome. Last evaluated: 2020-09-09. Review status: criteria provided, single submitter. Criteria: Invitae Variant Classification Sherloc (09022015). Collection method: clinical testing. Allele origin: germline.
Comment: This sequence change replaces glutamine with leucine at codon 1070 of the KCNH2 protein (p.Gln1070Leu). The glutamine residue is moderately conserved and there is a moderate physicochemical difference between glutamine and leucine. This variant is not present in population databases (ExAC no frequency). This variant has been observed in individual(s) with KCNH2-related conditions (Invitae). Algorithms developed to predict the effect of missense changes on protein structure and function are either unavailable or do not agree on the potential impact of this missense change (SIFT: "Deleterious"; PolyPhen-2: "Possibly Damaging"; Align-GVGD: "Class C0"). In summary, the available evidence is currently insufficient to determine the role of this variant in disease. Therefore, it has been classified as a Variant of Uncertain Significance.

NM_000238.4(KCNH2):c.3209A>T (p.Gln1070Leu)

Gene: KCNH2 (potassium voltage-gated channel subfamily H member 2; minus strand). Cytogenetic location: 7q36.1.
Variant type: single nucleotide variant.
Coding change: c.3209A>T on transcript NM_000238.4 (MANE Select); coding-DNA position 3209, A replaced by T.
Protein change: p.Gln1070Leu; replaces glutamine 1070 with leucine.
Molecular consequence: missense variant.
Genome position (GRCh38, 1-based): chr7:150,946,998, T>A on the plus strand (A>T on the coding strand, the complement: KCNH2 is on the minus strand). VCF-style: chr7-150946998-T-A. GRCh37 (hg19) VCF-style: chr7-150644086-T-A.
Other names: c.2189A>T, p.Gln730Leu (NM_172057.3); short protein forms Q1070L, Q730L.
Identifiers: ClinVar variation 1043117 (VCV001043117.8), dbSNP rs1386424341, ClinGen allele CA369852236.